The following is an entry in ClinVar:

ClinVar aggregate classification (germline): Benign. Review status: criteria provided, single submitter (1 of 4 stars). 2 submissions from 2 submitters: Benign (1). 1 of the submissions does not count toward it. Last evaluated 2019-12-31.

Conditions:
GPBAR1-related disorder. Also called: GPBAR1-related condition.

Allele frequency attached by ClinVar (database versions not stated): gnomAD exomes 0.00105; TOPMed 0.00478; 1000 Genomes Project 30x 0.00515; gnomAD 0.00442 and 0.00413; ESP Exome Variant Server 0.00462; ExAC 0.00124; 1000 Genomes Project 0.00479.
gnomAD v4.1: 1,344 of 1,612,840 alleles (0.083%); highest among the groups gnomAD compares: African/African-American, 1.4%; 9 homozygotes.

Submissions (2):

Labcorp Genetics (formerly Invitae), Labcorp
Classification: Benign. Last evaluated: 2019-12-31. Review status: criteria provided, single submitter. Criteria: Invitae Variant Classification Sherloc (09022015). Collection method: clinical testing. Allele origin: germline.

PreventionGenetics, part of Exact Sciences
Classification: Benign for GPBAR1-related condition. Last evaluated: 2019-02-20. Review status: no assertion criteria provided. Collection method: clinical testing. Allele origin: germline. Not counted in ClinVar's aggregate classification.
Comment: This variant is classified as benign based on ACMG/AMP sequence variant interpretation guidelines (Richards et al. 2015 PMID: 25741868, with internal and published modifications).

NM_170699.3(GPBAR1):c.887A>G (p.Gln296Arg)

Gene: GPBAR1 (G protein-coupled bile acid receptor 1; plus strand). Cytogenetic location: 2q35.
Variant type: single nucleotide variant.
Coding change: c.887A>G on transcript NM_170699.3 (MANE Select); coding-DNA position 887, A replaced by G.
Protein change: p.Gln296Arg; replaces glutamine 296 with arginine.
Molecular consequence: missense variant.
Genome position (GRCh38, 1-based): chr2:218,263,611, A>G. VCF-style: chr2-218263611-A-G. GRCh37 (hg19) VCF-style: chr2-219128334-A-G.
Other names: c.887A>G, p.Gln296Arg (NM_001077191.2, NM_001077194.2, NM_001321950.2); c.887A>G (NM_001321950.1); short protein forms Q296R.
Identifiers: ClinVar variation 720025 (VCV000720025.6), dbSNP rs115448647, ClinGen allele CA2102720.
Genomic context (GRCh38, chr2:218,263,611, plus strand): 5'-TGCCCGTAGCCATGGGGCTGGGCGATCAGCGCTACACAGCCCCCTGGAGGGCAGCCGCCC[A>G]AAGGTGCCTGCAGGGGCTGTGGGGAAGAGCCTCCCGGGACAGTCCCGGCCCCAGCATTGC-3'
Protein context (NP_733800.1, residues 286-306): RYTAPWRAAA[Gln296Arg]RCLQGLWGRA